The following is an entry in ClinVar:

NM_001085411.3(NADK2):c.1202G>A (p.Arg401His)

Gene: NADK2 (NAD kinase 2, mitochondrial; minus strand). Cytogenetic location: 5p13.2.
Variant type: single nucleotide variant.
Coding change: c.1202G>A on transcript NM_001085411.3 (MANE Select); coding-DNA position 1202, G replaced by A.
Protein change: p.Arg401His; replaces arginine 401 with histidine.
Molecular consequence: missense variant.
Genome position (GRCh38, 1-based): chr5:36,195,271, C>T on the plus strand (G>A on the coding strand, the complement: NADK2 is on the minus strand). VCF-style: chr5-36195271-C-T. GRCh37 (hg19) VCF-style: chr5-36195373-C-T.
Other names: c.713G>A, p.Arg238His (NM_001287340.2, NM_153013.5); c.779G>A, p.Arg260His (NM_001287341.2); short protein forms R238H, R260H, R401H.
Identifiers: ClinVar variation 1990508 (VCV001990508.4), dbSNP rs762584434, ClinGen allele CA3234475.
Genomic context (GRCh38, chr5:36,195,271, plus strand): 5'-TCATTAAACTCAAAAGAAGTTCCTCCATCCACAACCATACAGGCATCCCAACAACGAGAA[C>T]GAACACAAACCCTAGGCAGAAGGAAATATCTCATTAAATAGTAATAGTTTTCTTAATAGG-3'
Protein context (NP_001078880.1, residues 391-411): QRCFSSKVCV[Arg401His]SRCWDACMVV

ClinVar aggregate classification (germline): Uncertain significance (1 of 4 stars; one submission).

Conditions:
Progressive encephalopathy with leukodystrophy due to DECR deficiency. Identifiers: Orphanet 431361, MedGen C1857252, MONDO:0014464, OMIM 616034.

Allele frequency attached by ClinVar (database versions not stated): gnomAD 0.00001; gnomAD exomes 0.00001; TOPMed 0.00002; ExAC 0.00003.
gnomAD v4.1: 11 of 1,609,176 alleles (0.00068%); highest among the groups gnomAD compares: Middle Eastern, 0.016%; 1 homozygote.

Submission:

Labcorp Genetics (formerly Invitae), Labcorp
Classification: Uncertain significance for Progressive encephalopathy with leukodystrophy due to DECR deficiency. Last evaluated: 2022-06-14. Review status: criteria provided, single submitter. Criteria: Invitae Variant Classification Sherloc (09022015). Collection method: clinical testing. Allele origin: germline.
Comment: In summary, the available evidence is currently insufficient to determine the role of this variant in disease. Therefore, it has been classified as a Variant of Uncertain Significance. Algorithms developed to predict the effect of missense changes on protein structure and function are either unavailable or do not agree on the potential impact of this missense change (SIFT: "Deleterious"; PolyPhen-2: "Probably Damaging"; Align-GVGD: "Class C0"). This variant has not been reported in the literature in individuals affected with NADK2-related conditions. This variant is present in population databases (rs762584434, gnomAD 0.007%). This sequence change replaces arginine, which is basic and polar, with histidine, which is basic and polar, at codon 401 of the NADK2 protein (p.Arg401His).